The following is an entry in ClinVar:

ClinVar aggregate classification (germline): Conflicting classifications of pathogenicity. Review status: criteria provided, conflicting classifications (1 of 4 stars). 3 submissions from 3 submitters: Uncertain significance (2); Likely benign (1). Last evaluated 2026-01-05.

Conditions:
Usher syndrome type 2C. Also called: Usher syndrome, type 2B; USHER SYNDROME, TYPE IIC. Identifiers: Orphanet 231178, Orphanet 886, MedGen C2931213, MONDO:0011558, OMIM 605472.

Allele frequency attached by ClinVar (database versions not stated): gnomAD exomes 0.00002 and 0.00008; gnomAD 0.00003; TOPMed 0.00005; ExAC 0.00009.
gnomAD v4.1: 33 of 1,609,820 alleles (0.002%); highest among the groups gnomAD compares: East Asian, 0.062%; no homozygotes.

Submissions (3):

Labcorp Genetics (formerly Invitae), Labcorp
Classification: Likely benign. Last evaluated: 2026-01-05. Review status: criteria provided, single submitter. Criteria: Invitae Variant Classification Sherloc (09022015). Collection method: clinical testing. Allele origin: germline.

Illumina Laboratory Services, Illumina
Classification: Uncertain significance for Usher syndrome type 2C. Last evaluated: 2018-01-13. Review status: criteria provided, single submitter. Criteria: ICSL Variant Classification Criteria 13 December 2019. Collection method: clinical testing. Allele origin: germline.

Laboratory for Molecular Medicine, Mass General Brigham Personalized Medicine
Classification: Uncertain significance. Last evaluated: 2015-01-21. Review status: criteria provided, single submitter. Criteria: LMM Criteria. Collection method: clinical testing. Allele origin: germline. Observed: 1 variant allele.
Comment: The p.Ser5480Asn variant in GPR98 has not been previously reported in individual s with hearing loss, but was identified in 0.1% (11/8620) of East Asian chromoso mes by the Exome Aggregation Consortium (ExAC). Although this variant has been seen in the general population, its frequency is not high enough to rule out a pathogenic role. Computational prediction tools an d conservation analysis do not provide strong support for or against an impact t o the protein. In summary, the clinical significance of the p.Ser5480Asn variant is uncertain.

NM_032119.4(ADGRV1):c.16439G>A (p.Ser5480Asn)

Gene: ADGRV1 (adhesion G protein-coupled receptor V1; plus strand). Cytogenetic location: 5q14.3.
Variant type: single nucleotide variant.
Coding change: c.16439G>A on transcript NM_032119.4 (MANE Select); coding-DNA position 16439, G replaced by A.
Protein change: p.Ser5480Asn; replaces serine 5480 with asparagine.
Molecular consequence: missense variant. On other transcripts: non-coding transcript variant (1).
Genome position (GRCh38, 1-based): chr5:90,829,014, G>A. VCF-style: chr5-90829014-G-A. GRCh37 (hg19) VCF-style: chr5-90124831-G-A.
Other names: short protein forms S5480N.
Identifiers: ClinVar variation 228714 (VCV000228714.12), dbSNP rs772117132, ClinGen allele CA3342157.